The following is an entry in ClinVar:

ClinVar aggregate classification (germline): Uncertain significance. Review status: criteria provided, multiple submitters, no conflicts (2 of 4 stars). 2 submissions from 2 submitters: Uncertain significance (2). Last evaluated 2025-02-10.

Conditions:
Inborn genetic diseases. Identifiers: MedGen C0950123, MeSH D030342.

Allele frequency attached by ClinVar (database versions not stated): gnomAD exomes below 0.00001; TOPMed below 0.00001.
gnomAD v4.1: 2 of 1,586,580 alleles (0.00013%); highest among the groups gnomAD compares: Non-Finnish European, 0.00017%; no homozygotes.

Submissions (2):

Ambry Genetics
Classification: Uncertain significance for Inborn genetic diseases. Last evaluated: 2025-02-10. Review status: criteria provided, single submitter. Criteria: Ambry Variant Classification Scheme 2023. Collection method: clinical testing. Allele origin: germline.
Comment: The p.T1370I variant (also known as c.4109C>T), located in coding exon 29 of the ANKRD26 gene, results from a C to T substitution at nucleotide position 4109. The threonine at codon 1370 is replaced by isoleucine, an amino acid with similar properties. This amino acid position is conserved. In addition, this alteration is predicted to be tolerated by in silico analysis. Based on the available evidence, the clinical significance of this variant remains unclear.

Genetic Services Laboratory, University of Chicago
Classification: Uncertain significance. Last evaluated: 2020-04-20. Review status: criteria provided, single submitter. Criteria: ACMG Guidelines, 2015. Collection method: clinical testing. Allele origin: germline. Affected: no.
Comment: DNA sequence analysis of the ANKRD26 gene demonstrated a sequence change, c.4109C>T, in exon 29 that results in an amino acid change, p.Thr1370Ile. This sequence change does not appear to have been previously described in patients with ANKRD26-related disorders and has not been described in the population databases (ExAC and gnomAD). The p.Thr1370Ile change affects a moderately conserved amino acid residue located in a domain of the ANKRD26 protein that is not known to be functional. In-silico pathogenicity prediction tools (SIFT, PolyPhen2, Align GVGD, REVEL) provide contradictory results for the p.Thr1370Ile substitution. Due to these contrasting evidences and the lack of functional studies, the clinical significance of the p.Thr1370Ile change remains unknown at this time.

NM_014915.3(ANKRD26):c.4109C>T (p.Thr1370Ile)

Gene: ANKRD26 (ankyrin repeat domain containing 26; minus strand). Cytogenetic location: 10p12.1.
Variant type: single nucleotide variant.
Coding change: c.4109C>T on transcript NM_014915.3 (MANE Select); coding-DNA position 4109, C replaced by T.
Protein change: p.Thr1370Ile; replaces threonine 1370 with isoleucine.
Molecular consequence: missense variant.
Genome position (GRCh38, 1-based): chr10:27,022,664, G>A on the plus strand (C>T on the coding strand, the complement: ANKRD26 is on the minus strand). VCF-style: chr10-27022664-G-A. GRCh37 (hg19) VCF-style: chr10-27311593-G-A.
Other names: c.4106C>T, p.Thr1369Ile (NM_001256053.2); short protein forms T1369I, T1370I.
Identifiers: ClinVar variation 1337621 (VCV001337621.5), dbSNP rs2053529351, ClinGen allele CA376359273.